The following is an entry in ClinVar:

ClinVar aggregate classification (germline): Conflicting classifications of pathogenicity. Review status: criteria provided, conflicting classifications (1 of 4 stars). 2 submissions from 2 submitters: Uncertain significance (1); Likely benign (1). Last evaluated 2023-01-11.

Conditions:
Inborn genetic diseases. Identifiers: MedGen C0950123, MeSH D030342.
Intellectual developmental disorder, autosomal dominant 1. Also called: Intellectual disability, autosomal dominant 1; MBD5 Haploinsufficiency. Identifiers: Orphanet 228402, MedGen C1969562, MONDO:0007974, OMIM 156200.

Allele frequency attached by ClinVar (database versions not stated): TOPMed below 0.00001; ExAC 0.00001; 1000 Genomes Project 0.00020; gnomAD exomes 0.00001; ESP Exome Variant Server 0.00008; 1000 Genomes Project 30x 0.00016.
gnomAD v4.1: 6 of 1,613,910 alleles (0.00037%); highest among the groups gnomAD compares: East Asian, 0.0089%; no homozygotes.

Submissions (2):

Ambry Genetics
Classification: Likely benign for Inborn genetic diseases. Last evaluated: 2023-01-11. Review status: criteria provided, single submitter. Criteria: Ambry Variant Classification Scheme 2023. Collection method: clinical testing. Allele origin: germline.

Labcorp Genetics (formerly Invitae), Labcorp
Classification: Uncertain significance for Intellectual developmental disorder, autosomal dominant 1. Last evaluated: 2023-01-02. Review status: criteria provided, single submitter. Criteria: Invitae Variant Classification Sherloc (09022015). Collection method: clinical testing. Allele origin: germline.
Comment: Advanced modeling of protein sequence and biophysical properties (such as structural, functional, and spatial information, amino acid conservation, physicochemical variation, residue mobility, and thermodynamic stability) performed at Invitae indicates that this missense variant is not expected to disrupt MBD5 protein function. This sequence change replaces arginine, which is basic and polar, with tryptophan, which is neutral and slightly polar, at codon 657 of the MBD5 protein (p.Arg657Trp). This variant is present in population databases (rs112334672, gnomAD 0.006%). This variant has not been reported in the literature in individuals affected with MBD5-related conditions. ClinVar contains an entry for this variant (Variation ID: 942726). In summary, the available evidence is currently insufficient to determine the role of this variant in disease. Therefore, it has been classified as a Variant of Uncertain Significance.

NM_001378120.1(MBD5):c.1969C>T (p.Arg657Trp)

Gene: MBD5 (methyl-CpG binding domain protein 5; plus strand). Cytogenetic location: 2q23.1.
Variant type: single nucleotide variant.
Coding change: c.1969C>T on transcript NM_001378120.1 (MANE Select); coding-DNA position 1969, C replaced by T.
Protein change: p.Arg657Trp; replaces arginine 657 with tryptophan.
Molecular consequence: missense variant.
Genome position (GRCh38, 1-based): chr2:148,469,912, C>T. VCF-style: chr2-148469912-C-T. GRCh37 (hg19) VCF-style: chr2-149227481-C-T.
Other names: c.1969C>T, p.Arg657Trp (NM_018328.5); short protein forms R657W.
Identifiers: ClinVar variation 942726 (VCV000942726.11), dbSNP rs112334672, ClinGen allele CA1900082.